The following is an entry in ClinVar:

ClinVar aggregate classification (germline): Uncertain significance (1 of 4 stars; one submission).

Submission:

GeneDx
Classification: Uncertain significance. Last evaluated: 2024-06-05. Review status: criteria provided, single submitter. Criteria: GeneDx Variant Classification Process June 2021. Collection method: clinical testing. Allele origin: germline. Affected: yes.
Comment: Not observed at significant frequency in large population cohorts (gnomAD); In silico analysis supports that this missense variant has a deleterious effect on protein structure/function; Has not been previously published as pathogenic or benign to our knowledge

NM_014915.3(ANKRD26):c.3601A>G (p.Asn1201Asp)

Gene: ANKRD26 (ankyrin repeat domain containing 26; minus strand). Cytogenetic location: 10p12.1.
Variant type: single nucleotide variant.
Coding change: c.3601A>G on transcript NM_014915.3 (MANE Select); coding-DNA position 3601, A replaced by G.
Protein change: p.Asn1201Asp; replaces asparagine 1201 with aspartic acid.
Molecular consequence: missense variant.
Genome position (GRCh38, 1-based): chr10:27,034,849, T>C on the plus strand (A>G on the coding strand, the complement: ANKRD26 is on the minus strand). VCF-style: chr10-27034849-T-C. GRCh37 (hg19) VCF-style: chr10-27323778-T-C.
Other names: c.3598A>G, p.Asn1200Asp (NM_001256053.2); short protein forms N1200D, N1201D.
Identifiers: ClinVar variation 3384264 (VCV003384264.1).
Genomic context (GRCh38, chr10:27,034,849, plus strand): 5'-TACTTACTTCTCTTTCTGCCTTTTCATTTTCATATTGATACTGTCTTTCTTTTAAGTGAT[T>C]ACATTCACTGATTAACTCCTTATTTCTTTCTTCTAGCAGAAGACTTTGCTTTTCACTCTC-3'
Protein context (NP_055730.2, residues 1191-1211): ERNKELISEC[Asn1201Asp]HLKERQYQYE